The following is an entry in ClinVar:

NM_001177316.2(SLC34A3):c.561-45G>C

Gene: SLC34A3 (solute carrier family 34 member 3; plus strand). Cytogenetic location: 9q34.3.
Variant type: single nucleotide variant.
Coding change: c.561-45G>C on transcript NM_001177316.2 (MANE Select); 45 bases into the intron before coding-DNA position 561, G replaced by C.
Molecular consequence: intron variant.
Genome position (GRCh38, 1-based): chr9:137,233,164, G>C. VCF-style: chr9-137233164-G-C. GRCh37 (hg19) VCF-style: chr9-140127616-G-C.
Other names: c.561-45G>C (NM_001177317.2, NM_080877.3).
Identifiers: ClinVar variation 4977063 (VCV004977063.1).
Genomic context (GRCh38, chr9:137,233,164, plus strand): 5'-TGAATTTCAGAGGTGAGTTGTGGGTGGAAGGGCTGGGCTGGGGCTGCAGTGGCAGCCCCA[G>C]CCCGGGCCCCCCCACCTGACCCTGCCCACTCTCTGCGGCCACAGGGCTTTCAGCGGCTCG-3'

ClinVar aggregate classification (germline): Likely benign (1 of 4 stars; one submission).

Conditions:
SLC34A3-related disorder. Also called: SLC34A3-related condition.

Submission:

PreventionGenetics, part of Exact Sciences
Classification: Likely benign for SLC34A3-related condition. Last evaluated: 2024-10-15. Review status: criteria provided, single submitter. Criteria: ACMG Guidelines, 2015. Collection method: clinical testing. Allele origin: germline.
Comment: This variant is classified as likely benign based on ACMG/AMP sequence variant interpretation guidelines (Richards et al. 2015 PMID: 25741868, with internal and published modifications).